The following is an entry in ClinVar:

ClinVar aggregate classification (germline): Benign/Likely benign. Review status: criteria provided, multiple submitters, no conflicts (2 of 4 stars). 9 submissions from 9 submitters: Benign (3); Likely benign (5). 1 of the submissions does not count toward it. Last evaluated 2026-01-14.

Conditions:
STK11-related disorder. Also called: STK11-related condition.
Hereditary cancer-predisposing syndrome. Also called: Tumor predisposition; Hereditary Cancer Syndrome; Hereditary neoplastic syndrome; Neoplastic Syndromes, Hereditary. Identifiers: Orphanet 140162, MedGen C0027672, MeSH D009386, MONDO:0015356.
Peutz-Jeghers syndrome (PJS). Also called: POLYPOSIS, HAMARTOMATOUS INTESTINAL; POLYPS-AND-SPOTS SYNDROME; Peutz-Jeghers polyposis; Periorificial lentiginosis syndrome. Identifiers: Orphanet 2869, MedGen C0031269, MeSH D010580, MONDO:0008280, OMIM 175200.

Allele frequency attached by ClinVar (database versions not stated): ExAC 0.00001; gnomAD exomes 0.00001; TOPMed 0.00002; gnomAD 0.00003.
gnomAD v4.1: 12 of 1,611,190 alleles (0.00074%); highest among the groups gnomAD compares: South Asian, 0.0033%; no homozygotes.

Submissions (9):

Labcorp Genetics (formerly Invitae), Labcorp
Classification: Likely benign for Peutz-Jeghers syndrome. Last evaluated: 2026-01-14. Review status: criteria provided, single submitter. Criteria: Invitae Variant Classification Sherloc (09022015). Collection method: clinical testing. Allele origin: germline.

Myriad Genetics, Inc.
Classification: Benign for Peutz-Jeghers syndrome. Last evaluated: 2025-03-24. Review status: criteria provided, single submitter. Criteria: Myriad Autosomal Dominant, Autosomal Recessive and X-Linked Classification Criteria (2023). Collection method: clinical testing. Allele origin: unknown.
Comment: This variant is considered benign. This variant is a silent/synonymous amino acid change and it is not expected to impact splicing.

Quest Diagnostics Nichols Institute San Juan Capistrano
Classification: Benign. Last evaluated: 2025-03-02. Review status: criteria provided, single submitter. Criteria: Quest Diagnostics criteria. Collection method: clinical testing. Allele origin: unknown.

All of Us Research Program, National Institutes of Health
Classification: Likely benign for Peutz-Jeghers syndrome. Last evaluated: 2023-10-30. Review status: criteria provided, single submitter. Criteria: ACMG Guidelines, 2015. Collection method: clinical testing. Allele origin: germline. Inheritance: Autosomal dominant inheritance. Observed: 7 variant alleles, 7 heterozygotes.
Comment: This study involves interpretation of variants in research participants for the purpose of population health screening. Participant phenotype was not available at the time of variant classification. Additional details can be found in publication PMID: 35346344, PMCID: PMC8962531

Genome-Nilou Lab
Classification: Likely benign for Peutz-Jeghers syndrome. Last evaluated: 2021-07-15. Review status: criteria provided, single submitter. Criteria: ACMG Guidelines, 2015. Collection method: clinical testing. Allele origin: germline. Affected: no.

Ambry Genetics
Classification: Likely benign for Hereditary cancer-predisposing syndrome. Last evaluated: 2015-09-21. Review status: criteria provided, single submitter. Criteria: Ambry Variant Classification Scheme 2023. Collection method: clinical testing. Allele origin: germline.

Color Diagnostics, LLC DBA Color Health
Classification: Likely benign for Hereditary cancer-predisposing syndrome. Last evaluated: 2015-07-29. Review status: criteria provided, single submitter. Criteria: ACMG Guidelines, 2015. Collection method: clinical testing. Allele origin: germline.

GeneDx
Classification: Benign. Last evaluated: 2015-03-03. Review status: criteria provided, single submitter. Criteria: GeneDx Variant Classification Process June 2021. Collection method: clinical testing. Allele origin: germline. Affected: yes.

PreventionGenetics, part of Exact Sciences
Classification: Likely benign for STK11-related condition. Last evaluated: 2019-06-17. Review status: no assertion criteria provided. Collection method: clinical testing. Allele origin: germline. Not counted in ClinVar's aggregate classification.
Comment: This variant is classified as likely benign based on ACMG/AMP sequence variant interpretation guidelines (Richards et al. 2015 PMID: 25741868, with internal and published modifications).

NM_000455.5(STK11):c.57G>C (p.Ser19=)

Gene: STK11 (serine/threonine kinase 11; plus strand). Cytogenetic location: 19p13.3.
Variant type: single nucleotide variant.
Coding change: c.57G>C on transcript NM_000455.5 (MANE Select); coding-DNA position 57, G replaced by C.
Protein change: p.Ser19=; no amino-acid change (serine 19 retained).
Molecular consequence: synonymous variant.
Genome position (GRCh38, 1-based): chr19:1,206,970, G>C. VCF-style: chr19-1206970-G-C. GRCh37 (hg19) VCF-style: chr19-1206969-G-C.
Identifiers: ClinVar variation 184297 (VCV000184297.25), dbSNP rs748698151, ClinGen allele CA023088.